The following is an entry in ClinVar:

NM_000416.3(IFNGR1):c.1410T>A (p.Asp470Glu)

Gene: IFNGR1 (interferon gamma receptor 1; minus strand). Cytogenetic location: 6q23.3.
Variant type: single nucleotide variant.
Coding change: c.1410T>A on transcript NM_000416.3 (MANE Select); coding-DNA position 1410, T replaced by A.
Protein change: p.Asp470Glu; replaces aspartic acid 470 with glutamic acid.
Molecular consequence: missense variant.
Genome position (GRCh38, 1-based): chr6:137,198,091, A>T on the plus strand (T>A on the coding strand, the complement: IFNGR1 is on the minus strand). VCF-style: chr6-137198091-A-T. GRCh37 (hg19) VCF-style: chr6-137519228-A-T.
Other names: c.1380T>A, p.Asp460Glu (NM_001363526.1); c.1287T>A, p.Asp429Glu (NM_001363527.1); short protein forms D460E, D470E, D429E.
Identifiers: ClinVar variation 4741535 (VCV004741535.1).

ClinVar aggregate classification (germline): Uncertain significance (1 of 4 stars; one submission).

Conditions:
Disseminated atypical mycobacterial infection. Identifiers: MedGen C0694566.

gnomAD v4.1: 1 of 1,614,194 alleles (0.000062%); highest among the groups gnomAD compares: Non-Finnish European, 0.000085%; no homozygotes.

Submission:

Labcorp Genetics (formerly Invitae), Labcorp
Classification: Uncertain significance for Disseminated atypical mycobacterial infection. Last evaluated: 2025-08-19. Review status: criteria provided, single submitter. Criteria: Invitae Variant Classification Sherloc (09022015). Collection method: clinical testing. Allele origin: germline.
Comment: This sequence change replaces aspartic acid, which is acidic and polar, with glutamic acid, which is acidic and polar, at codon 470 of the IFNGR1 protein (p.Asp470Glu). This variant is present in population databases (no rsID available, gnomAD 0.0009%). This variant has not been reported in the literature in individuals affected with IFNGR1-related conditions. Invitae Evidence Modeling of protein sequence and biophysical properties (such as structural, functional, and spatial information, amino acid conservation, physicochemical variation, residue mobility, and thermodynamic stability) indicates that this missense variant is not expected to disrupt IFNGR1 protein function with a negative predictive value of 80%. In summary, the available evidence is currently insufficient to determine the role of this variant in disease. Therefore, it has been classified as a Variant of Uncertain Significance.